The following is an entry in ClinVar:

NM_004667.6(HERC2):c.8538G>A (p.Pro2846=)

Gene: HERC2 (HECT and RLD domain containing E3 ubiquitin protein ligase 2; minus strand). Cytogenetic location: 15q13.1.
Variant type: single nucleotide variant.
Coding change: c.8538G>A on transcript NM_004667.6 (MANE Select); coding-DNA position 8538, G replaced by A.
Protein change: p.Pro2846=; no amino-acid change (proline 2846 retained).
Molecular consequence: synonymous variant.
Genome position (GRCh38, 1-based): chr15:28,191,158, C>T on the plus strand (G>A on the coding strand, the complement: HERC2 is on the minus strand). VCF-style: chr15-28191158-C-T. GRCh37 (hg19) VCF-style: chr15-28436304-C-T.
Identifiers: ClinVar variation 5041342 (VCV005041342.1).

ClinVar aggregate classification (germline): Likely benign (1 of 4 stars; one submission).

gnomAD v4.1: 7 of 1,612,396 alleles (0.00043%); highest among the groups gnomAD compares: Admixed American, 0.0033%; no homozygotes.

Submission:

CeGaT Center for Human Genetics Tuebingen
Classification: Likely benign. Last evaluated: 2026-09-01. Review status: criteria provided, single submitter. Criteria: CeGaT Center For Human Genetics Tuebingen Variant Classification Criteria Version 2. Collection method: clinical testing. Allele origin: germline. Affected: yes. Observed: 1 variant allele.
Comment: HERC2: BP4, BP7